The following is an entry in ClinVar:

ClinVar aggregate classification (germline): Likely benign. Review status: reviewed by expert panel (3 of 4 stars). 3 submissions from 3 submitters: Likely benign (1). 2 of the submissions do not count toward it. Last evaluated 2024-09-10.

Conditions:
Hereditary thrombocytopenia and hematologic cancer predisposition syndrome. Identifiers: Orphanet 71290, MedGen CN281654, MONDO:0011071.
Inborn genetic diseases. Identifiers: MedGen C0950123, MeSH D030342.
Hereditary thrombocytopenia and hematological cancer predisposition syndrome associated with RUNX1. Also called: RUNX1 Familial Platelet Disorder with Associated Myeloid Malignancies; Familial Platelet Disorder with Propensity to Acute Myelogenous Leukemia; Familial thrombocytopenia with propensity to acute myelogenous leukemia; PLATELET DISORDER, ASPIRIN-LIKE. Identifiers: Orphanet 71290, MedGen C1832388, MeSH C563324, MONDO:0100083, OMIM 601399.

Submissions (3):

ClinGen Myeloid Malignancy Variant Curation Expert Panel
Classification: Likely benign for Hereditary thrombocytopenia and hematologic cancer predisposition syndrome. Last evaluated: 2024-09-10. Review status: reviewed by expert panel. Criteria: ClinGen MyeloMalig ACMG Specifications v2. Collection method: curation. Allele origin: germline. Inheritance: Autosomal dominant inheritance.
Comment: NM_001754.5(RUNX1):c.1419G>A (p.Glu473=) is a synonymous variant which has a SpliceAI score ≤ 0.20 (0.0) (BP4). This variant has a SpliceAI score ≤ 0.20 (0.0) and evolutionary conservation algorithms predict the site as not being conserved (PhyloP score ≤ 2.0 (-0.38) (BP7). This variant is completely absent from all population databases with at least 20x coverage for RUNX1 (PM2_Supporting). In summary, this variant meets criteria to be classified as likely benign. ACMG/AMP criteria applied, as specified by the Myeloid Malignancy Variant Curation Expert Panel for RUNX1: BP4, BP7, PM2_supporting.

Ambry Genetics
Classification: Likely benign for Inborn genetic diseases. Last evaluated: 2025-01-25. Review status: criteria provided, single submitter. Criteria: Ambry Variant Classification Scheme 2023. Collection method: clinical testing. Allele origin: germline. Not counted in ClinVar's aggregate classification.

Labcorp Genetics (formerly Invitae), Labcorp
Classification: Likely benign for Hereditary thrombocytopenia and hematological cancer predisposition syndrome associated with RUNX1. Last evaluated: 2022-05-14. Review status: criteria provided, single submitter. Criteria: Invitae Variant Classification Sherloc (09022015). Collection method: clinical testing. Allele origin: germline. Not counted in ClinVar's aggregate classification.

NM_001754.5(RUNX1):c.1419G>A (p.Glu473=)

Gene: RUNX1 (RUNX family transcription factor 1; minus strand). Cytogenetic location: 21q22.12.
Variant type: single nucleotide variant.
Coding change: c.1419G>A on transcript NM_001754.5 (MANE Select); coding-DNA position 1419, G replaced by A.
Protein change: p.Glu473=; no amino-acid change (glutamic acid 473 retained).
Molecular consequence: synonymous variant.
Genome position (GRCh38, 1-based): chr21:34,792,159, C>T on the plus strand (G>A on the coding strand, the complement: RUNX1 is on the minus strand). VCF-style: chr21-34792159-C-T. GRCh37 (hg19) VCF-style: chr21-36164456-C-T.
Other names: NM_001754.5(RUNX1):c.1419G>A; p.Glu473=; c.1338G>A, p.Glu446= (NM_001001890.3).
Identifiers: ClinVar variation 1954710 (VCV001954710.7), dbSNP rs1439667788, ClinGen allele CA512232110.